The following is an entry in ClinVar:

NM_007194.4(CHEK2):c.909G>A (p.Leu303=)

Gene: CHEK2 (checkpoint kinase 2; minus strand). Cytogenetic location: 22q12.1.
Variant type: single nucleotide variant.
Coding change: c.909G>A on transcript NM_007194.4 (MANE Select); coding-DNA position 909, G replaced by A.
Protein change: p.Leu303=; no amino-acid change (leucine 303 retained).
Molecular consequence: synonymous variant.
Genome position (GRCh38, 1-based): chr22:28,699,937, C>T on the plus strand (G>A on the coding strand, the complement: CHEK2 is on the minus strand). VCF-style: chr22-28699937-C-T. GRCh37 (hg19) VCF-style: chr22-29095925-C-T.
Other names: c.1038G>A, p.Leu346= (NM_001005735.3); c.246G>A, p.Leu82= (NM_001257387.3); c.708G>A, p.Leu236= (NM_001349956.3); c.909G>A, p.Leu303= (NM_145862.3).
Identifiers: ClinVar variation 479568 (VCV000479568.14), dbSNP rs786202256, ClinGen allele CA513945060.

ClinVar aggregate classification (germline): Conflicting classifications of pathogenicity. Review status: criteria provided, conflicting classifications (1 of 4 stars). 2 submissions from 2 submitters: Uncertain significance (1); Likely benign (1). Last evaluated 2025-10-20.

Conditions:
Familial cancer of breast. Also called: BREAST CANCER, FAMILIAL; Hereditary breast cancer; hereditary breast carcinoma. Identifiers: Orphanet 227535, MedGen C0346153, MONDO:0016419, OMIM 114480. Disease mechanism: loss of function.
Hereditary cancer-predisposing syndrome. Also called: Hereditary Cancer Syndrome; Neoplastic Syndromes, Hereditary; Tumor predisposition; Hereditary neoplastic syndrome. Identifiers: Orphanet 140162, MedGen C0027672, MeSH D009386, MONDO:0015356.

Submissions (2):

Labcorp Genetics (formerly Invitae), Labcorp
Classification: Uncertain significance for Familial cancer of breast. Last evaluated: 2025-10-20. Review status: criteria provided, single submitter. Criteria: Invitae Variant Classification Sherloc (09022015). Collection method: clinical testing. Allele origin: germline.
Comment: This sequence change affects codon 303 of the CHEK2 mRNA. It is a 'silent' change, meaning that it does not change the encoded amino acid sequence of the CHEK2 protein. It affects a nucleotide within the consensus splice site. This variant is not present in population databases (gnomAD no frequency). This variant has not been reported in the literature in individuals affected with CHEK2-related conditions. ClinVar contains an entry for this variant (Variation ID: 479568). Algorithms developed to predict the effect of sequence changes on RNA splicing suggest that this variant is not likely to affect RNA splicing. In summary, the available evidence is currently insufficient to determine the role of this variant in disease. Therefore, it has been classified as a Variant of Uncertain Significance.

Ambry Genetics
Classification: Likely benign for Hereditary cancer-predisposing syndrome. Last evaluated: 2016-06-23. Review status: criteria provided, single submitter. Criteria: Ambry Variant Classification Scheme 2023. Collection method: clinical testing. Allele origin: germline.